The following is an entry in ClinVar:

ClinVar aggregate classification (germline): Uncertain significance (1 of 4 stars; one submission).

Conditions:
Early-infantile DEE. Also called: Ohtahara syndrome; Early infantile epileptic encephalopathy with suppression bursts; Early infantile epileptic encephalopathy. Identifiers: Orphanet 1934, MedGen C0393706, MONDO:0800491.

gnomAD v4.1: 1 of 1,613,762 alleles (0.000062%); highest among the groups gnomAD compares: Non-Finnish European, 0.000085%; no homozygotes.

Submission:

Labcorp Genetics (formerly Invitae), Labcorp
Classification: Uncertain significance for Early-infantile DEE. Last evaluated: 2024-08-08. Review status: criteria provided, single submitter. Criteria: Invitae Variant Classification Sherloc (09022015). Collection method: clinical testing. Allele origin: germline.
Comment: This sequence change replaces alanine, which is neutral and non-polar, with threonine, which is neutral and polar, at codon 1232 of the SPTAN1 protein (p.Ala1232Thr). This variant is not present in population databases (gnomAD no frequency). This variant has not been reported in the literature in individuals affected with SPTAN1-related conditions. Advanced modeling of protein sequence and biophysical properties (such as structural, functional, and spatial information, amino acid conservation, physicochemical variation, residue mobility, and thermodynamic stability) has been performed at Invitae for this missense variant, however the output from this modeling did not meet the statistical confidence thresholds required to predict the impact of this variant on SPTAN1 protein function. In summary, the available evidence is currently insufficient to determine the role of this variant in disease. Therefore, it has been classified as a Variant of Uncertain Significance.

NM_001130438.3(SPTAN1):c.3694G>A (p.Ala1232Thr)

Gene: SPTAN1 (spectrin alpha, non-erythrocytic 1; plus strand). Cytogenetic location: 9q34.11.
Variant type: single nucleotide variant.
Coding change: c.3694G>A on transcript NM_001130438.3 (MANE Select); coding-DNA position 3694, G replaced by A.
Protein change: p.Ala1232Thr; replaces alanine 1232 with threonine.
Molecular consequence: missense variant.
Genome position (GRCh38, 1-based): chr9:128,604,392, G>A. VCF-style: chr9-128604392-G-A. GRCh37 (hg19) VCF-style: chr9-131366671-G-A.
Other names: c.3694G>A, p.Ala1232Thr (NM_003127.4, NM_001363759.2, NM_001375310.1 and 2 more transcripts); c.3634G>A, p.Ala1212Thr (NM_001195532.2, NM_001363765.2, NM_001375314.2); c.3730G>A, p.Ala1244Thr (NM_001375312.2, NM_001375318.1); short protein forms A1244T, A1212T, A1232T.
Identifiers: ClinVar variation 3667731 (VCV003667731.2).